The following is an entry in ClinVar:

NM_181672.3(OGT):c.154C>T (p.Pro52Ser)

Gene: OGT (O-linked N-acetylglucosamine (GlcNAc) transferase; plus strand). Cytogenetic location: Xq13.1.
Variant type: single nucleotide variant.
Coding change: c.154C>T on transcript NM_181672.3 (MANE Select); coding-DNA position 154, C replaced by T.
Protein change: p.Pro52Ser; replaces proline 52 with serine.
Molecular consequence: missense variant.
Genome position (GRCh38, 1-based): chrX:71,536,294, C>T. VCF-style: chrX-71536294-C-T. GRCh37 (hg19) VCF-style: chrX-70756144-C-T.
Other names: c.124C>T, p.Pro42Ser (NM_181673.3); short protein forms P42S, P52S.
Identifiers: ClinVar variation 4086727 (VCV004086727.1).
Genomic context (GRCh38, chrX:71,536,294, plus strand): 5'-TATCAGGCAGGAGATTTTGAGGCAGCTGAGAGACACTGCATGCAGCTCTGGAGACAAGAG[C>T]CAGACAATACTGGTGTGCTTTTATTACTTTCATCTATACACTTCCAGTGTCGAAGGCTGG-3'
Protein context (NP_858058.1, residues 42-62): RHCMQLWRQE[Pro52Ser]DNTGVLLLLS

ClinVar aggregate classification (germline): Uncertain significance (1 of 4 stars; one submission).

Submission:

GeneDx
Classification: Uncertain significance. Last evaluated: 2025-03-20. Review status: criteria provided, single submitter. Criteria: GeneDx Variant Classification Process June 2021. Collection method: clinical testing. Allele origin: germline. Affected: yes.
Comment: Not observed at significant frequency in large population cohorts (gnomAD); In silico analysis supports that this missense variant has a deleterious effect on protein structure/function; Has not been previously published as pathogenic or benign to our knowledge